The following is an entry in ClinVar:

NM_000455.5(STK11):c.874T>G (p.Tyr292Asp)

Gene: STK11 (serine/threonine kinase 11; plus strand). Cytogenetic location: 19p13.3.
Variant type: single nucleotide variant.
Coding change: c.874T>G on transcript NM_000455.5 (MANE Select); coding-DNA position 874, T replaced by G.
Protein change: p.Tyr292Asp; replaces tyrosine 292 with aspartic acid.
Molecular consequence: missense variant.
Genome position (GRCh38, 1-based): chr19:1,221,960, T>G. VCF-style: chr19-1221960-T-G. GRCh37 (hg19) VCF-style: chr19-1221959-T-G.
Other names: c.874T>G, p.Tyr292Asp (NM_001407255.1); short protein forms Y292D.
Identifiers: ClinVar variation 1764537 (VCV001764537.2), dbSNP rs2145428662, ClinGen allele CA402951183.

ClinVar aggregate classification (germline): Uncertain significance (1 of 4 stars; one submission).

Conditions:
Hereditary cancer-predisposing syndrome. Also called: Neoplastic Syndromes, Hereditary; Tumor predisposition; Hereditary Cancer Syndrome; Hereditary neoplastic syndrome. Identifiers: Orphanet 140162, MedGen C0027672, MeSH D009386, MONDO:0015356.

Submission:

Ambry Genetics
Classification: Uncertain significance for Hereditary cancer-predisposing syndrome. Last evaluated: 2022-10-05. Review status: criteria provided, single submitter. Criteria: Ambry Variant Classification Scheme 2023. Collection method: clinical testing. Allele origin: germline.
Comment: The p.Y292D variant (also known as c.874T>G), located in coding exon 7 of the STK11 gene, results from a T to G substitution at nucleotide position 874. The tyrosine at codon 292 is replaced by aspartic acid, an amino acid with highly dissimilar properties. This amino acid position is conserved. In addition, this alteration is predicted to be deleterious by in silico analysis. Since supporting evidence is limited at this time, the clinical significance of this alteration remains unclear.